The following is an entry in ClinVar:

NM_001148.6(ANK2):c.9403G>C (p.Gly3135Arg)

Gene: ANK2 (ankyrin 2; plus strand). Cytogenetic location: 4q26.
Variant type: single nucleotide variant.
Coding change: c.9403G>C on transcript NM_001148.6 (MANE Select); coding-DNA position 9403, G replaced by C.
Protein change: p.Gly3135Arg; replaces glycine 3135 with arginine.
Molecular consequence: missense variant. On other transcripts: intron variant (68).
Genome position (GRCh38, 1-based): chr4:113,358,021, G>C. VCF-style: chr4-113358021-G-C. GRCh37 (hg19) VCF-style: chr4-114279177-G-C.
Other names: c.9169G>C, p.Gly3057Arg (NM_001386142.1); c.5803G>C, p.Gly1935Arg (NM_001386166.1); c.9544G>C, p.Gly3182Arg (NM_001386174.1); c.9520G>C, p.Gly3174Arg (NM_001386175.1); c.4412-2802G>C (NM_001386186.2, NM_001386148.2); c.4214-2802G>C (NM_001354269.3); c.4292-2802G>C (NM_001386187.2); c.4253-2802G>C (NM_001386147.1); and 36 more; short protein forms G3135R, G1935R, G3057R, G3174R, G3182R.
Identifiers: ClinVar variation 519319 (VCV000519319.6), dbSNP rs756356716, ClinGen allele CA3051909.

ClinVar aggregate classification (germline): Conflicting classifications of pathogenicity. Review status: criteria provided, conflicting classifications (1 of 4 stars). 2 submissions from 2 submitters: Uncertain significance (1); Likely benign (1). Last evaluated 2026-09-21.

Conditions:
Cardiovascular phenotype. Identifiers: MedGen CN230736.

Allele frequency attached by ClinVar (database versions not stated): gnomAD exomes 0.00001; ExAC 0.00001; TOPMed 0.00002; gnomAD 0.00001.
gnomAD v4.1: 3 of 1,613,872 alleles (0.00019%); highest among the groups gnomAD compares: Admixed American, 0.0033%; no homozygotes.

Submissions (2):

Molecular Diagnostic Laboratory for Inherited Cardiovascular Disease, Montreal Heart Institute
Classification: Uncertain significance for Cardiovascular phenotype. Last evaluated: 2026-09-21. Review status: criteria provided, single submitter. Criteria: ACMG Guidelines, 2015. Collection method: clinical testing. Allele origin: germline. Affected: yes.
Comment: PM2

Ambry Genetics
Classification: Likely benign for Cardiovascular phenotype. Last evaluated: 2021-10-28. Review status: criteria provided, single submitter. Criteria: Ambry Variant Classification Scheme 2023. Collection method: clinical testing. Allele origin: germline.